The following is an entry in ClinVar:

NM_000352.6(ABCC8):c.338C>T (p.Ala113Val)

Gene: ABCC8 (ATP binding cassette subfamily C member 8; minus strand). Cytogenetic location: 11p15.1.
Variant type: single nucleotide variant.
Coding change: c.338C>T on transcript NM_000352.6 (MANE Select); coding-DNA position 338, C replaced by T.
Protein change: p.Ala113Val; replaces alanine 113 with valine.
Molecular consequence: missense variant. On other transcripts: non-coding transcript variant (1).
Genome position (GRCh38, 1-based): chr11:17,470,175, G>A on the plus strand (C>T on the coding strand, the complement: ABCC8 is on the minus strand). VCF-style: chr11-17470175-G-A. GRCh37 (hg19) VCF-style: chr11-17491722-G-A.
Other names: c.338C>T, p.Ala113Val (NM_001287174.3, NM_001351295.2, NM_001351296.2 and 1 more transcripts); c.338C>T (NM_000352.3); short protein forms A113V.
Identifiers: ClinVar variation 1338595 (VCV001338595.13), dbSNP rs2133711315, ClinGen allele CA379784330.

ClinVar aggregate classification (germline): Conflicting classifications of pathogenicity. Review status: criteria provided, conflicting classifications (1 of 4 stars). 8 submissions from 8 submitters: Likely pathogenic (6); Uncertain significance (2). Last evaluated 2025-07-10.

Conditions:
Pulmonary arterial hypertension. Identifiers: Orphanet 182090, MedGen C2973725, MeSH D000081029, MONDO:0015924, HP:0002092.
Hyperinsulinemic hypoglycemia, familial, 1 (HHF1). Also called: Persistent hyperinsulinemic hypoglycemia of infancy; HYPERINSULINISM, FAMILIAL, WITH PANCREATIC NESIDIOBLASTOSIS; HYPOGLYCEMIA, HYPERINSULINEMIC, OF INFANCY; NESIDIOBLASTOSIS OF PANCREAS; Persistent Hyperinsulinemia Hypoglycemia of Infancy. Identifiers: Orphanet 276575, Orphanet 276598, MedGen C2931832, MONDO:0009734, OMIM 256450.
Hereditary hyperinsulinism.
Leucine-induced hypoglycemia (LIH). Also called: LEUCINE-SENSITIVE HYPOGLYCEMIA OF INFANCY. Identifiers: MedGen C0271714, MONDO:0009415, OMIM 240800.
Diabetes mellitus, permanent neonatal 3. Also called: ABCC8-Related Permanent Neonatal Diabetes Mellitus. Identifiers: MedGen C5394303, MONDO:0030088, OMIM 618857.
Diabetes mellitus, transient neonatal, 2 (TNDM2). Identifiers: Orphanet 99886, MedGen C1835887, MONDO:0012480, OMIM 610374. Disease mechanism: loss of function.
Type 2 diabetes mellitus. Also called: Type II diabetes mellitus. Identifiers: MedGen C0011860, MeSH D003924, MONDO:0005148, OMIM 125853, HP:0005978.

Allele frequency attached by ClinVar (database versions not stated): gnomAD exomes 0.00001.
gnomAD v4.1: 6 of 1,614,152 alleles (0.00037%); highest among the groups gnomAD compares: Non-Finnish European, 0.00051%; no homozygotes.

Submissions (8):

Natera, Inc.
Classification: Likely pathogenic for Hereditary hyperinsulinism. Last evaluated: 2025-07-10. Review status: criteria provided, single submitter. Criteria: Natera Variant Classification Schema (03/2026). Collection method: clinical testing. Allele origin: germline.
Comment: The c.338C>T variant in ABCC8 is a missense variant predicted to cause substitution of alanine to valine at amino acid 113. This variant is rare in the general population with a frequency below the threshold expected for the associated phenotype(s). This variant has been observed in one or more individuals affected with the associated recessive disease, as either homozygous or compound heterozygous with a second variant (PMID: 36294341). This variant has been observed in affected individual(s) with monoallelic occurrence (heterozygous/hemizygous) (PMID: 16186397, 16380471, 21981106, 23345197, 25201519, 26092864). Computational prediction algorithms indicate this variant is likely to affect gene or protein function. Given the available evidence, this variant is classified as Likely Pathogenic.

ARUP Laboratories, Molecular Genetics and Genomics, ARUP Laboratories
Classification: Likely pathogenic. Last evaluated: 2024-12-19. Review status: criteria provided, single submitter. Criteria: ARUP Molecular Germline Variant Investigation Process 2024. Collection method: clinical testing. Allele origin: germline.
Comment: The ABCC8 c.338C>T; p.Ala113Val variant (rs2133711315, ClinVar Variation ID 1338595) is reported in the literature in individuals with hyperinsulinemic hypoglycemia (Hussain 2005, Nessa 2015, Otonkoski 2006). This variant is absent from the Genome Aggregation Database (v2.1.1), indicating it is not a common polymorphism. Functional analyses of the variant protein show defective trafficking of the channel protein to the membrane (Martin 2016, Nessa 2015). Computational analyses predict that this variant is deleterious (REVEL: 0.746). Based on available information, this variant is considered to be likely pathogenic. References: Hussain K et al. Serum glucagon counterregulatory hormonal response to hypoglycemia is blunted in congenital hyperinsulinism. Diabetes. 2005 Oct. PMID: 16186397. Martin GM et al. Pharmacological Correction of Trafficking Defects in ATP-sensitive Potassium Channels Caused by Sulfonylurea Receptor 1 Mutations. J Biol Chem. 2016 Oct 14. PMID: 27573238. Nessa A et al. Molecular mechanisms of congenital hyperinsulinism due to autosomal dominant mutations in ABCC8. Hum Mol Genet. 2015 Sep 15. PMID: 26092864. Otonkoski T et al. Noninvasive diagnosis of focal hyperinsulinism of infancy with [18F]-DOPA positron emission tomography. Diabetes. 2006 Jan. PMID: 16380471.

Baylor Genetics
Classification: Likely pathogenic for Type 2 diabetes mellitus. Last evaluated: 2023-09-05. Review status: criteria provided, single submitter. Criteria: ACMG Guidelines, 2015. Collection method: clinical testing. Allele origin: unknown.

Fulgent Genetics
Classification: Likely pathogenic for Type 2 diabetes mellitus; Leucine-induced hypoglycemia; Hyperinsulinemic hypoglycemia, familial, 1; Diabetes mellitus, transient neonatal, 2; Diabetes mellitus, permanent neonatal 3. Last evaluated: 2022-01-08. Review status: criteria provided, single submitter. Criteria: ACMG Guidelines, 2015. Collection method: clinical testing. Allele origin: unknown.

Department of Pathology and Laboratory Medicine, Sinai Health System
Classification: Uncertain significance for pulmonary arterial hypertension. Last evaluated: 2021-07-30. Review status: criteria provided, single submitter. Criteria: ACMG Guidelines, 2015. Collection method: research. Allele origin: germline.

Genetic Services Laboratory, University of Chicago
Classification: Likely pathogenic. Last evaluated: 2020-06-26. Review status: criteria provided, single submitter. Criteria: ACMG Guidelines, 2015. Collection method: clinical testing. Allele origin: germline. Affected: yes.

Revvity Omics, Revvity
Classification: Uncertain significance. Last evaluated: 2020-01-31. Review status: criteria provided, single submitter. Criteria: ACMG Guidelines, 2015. Collection method: clinical testing. Allele origin: germline.

Kariminejad - Najmabadi Pathology & Genetics Center
Classification: Likely pathogenic for Hyperinsulinemic hypoglycemia, familial, 1. Review status: criteria provided, single submitter. Criteria: ACMG Guidelines, 2015. Collection method: clinical testing. Allele origin: germline. Affected: no.

Literature cited by the submitters: PubMed 36294341 (cited by Natera, Inc.); PubMed 16186397 (cited by Natera, Inc.); PubMed 16380471 (cited by Natera, Inc.); PubMed 21981106 (cited by Natera, Inc.); PubMed 23345197 (cited by Natera, Inc.); PubMed 25201519 (cited by Natera, Inc.); PubMed 26092864 (cited by Natera, Inc.).